The following is an entry in ClinVar:

NM_012186.3(FOXE3):c.73T>G (p.Ser25Ala)

Genes: FOXE3 (forkhead box E3; plus strand), LINC01389 (long intergenic non-protein coding RNA 1389; minus strand). Cytogenetic location: 1p33.
Variant type: single nucleotide variant.
Coding change: c.73T>G on transcript NM_012186.3 (MANE Select); coding-DNA position 73, T replaced by G.
Protein change: p.Ser25Ala; replaces serine 25 with alanine.
Molecular consequence: missense variant.
Genome position (GRCh38, 1-based): chr1:47,416,388, T>G. VCF-style: chr1-47416388-T-G. GRCh37 (hg19) VCF-style: chr1-47882060-T-G.
Other names: short protein forms S25A.
Identifiers: ClinVar variation 1758742 (VCV001758742.2), dbSNP rs2521315000, ClinGen allele CA340248981.
Genomic context (GRCh38, chr1:47,416,388, plus strand): 5'-AGCGACATGGATCCGCCCGCCGCGTTCTCTGGCTTCCCTGCCCTGCCAGCGGTCGCGCCG[T>G]CGGGGCCGCCGCCGTCGCCGCTCGCAGGAGCCGAGCCAGGGCGGGAGCCAGAGGAGGCGG-3'
Protein context (NP_036318.1, residues 15-35): GFPALPAVAP[Ser25Ala]GPPPSPLAGA

ClinVar aggregate classification (germline): Uncertain significance (1 of 4 stars; one submission).

Conditions:
Cardiovascular phenotype. Identifiers: MedGen CN230736.

Submission:

Ambry Genetics
Classification: Uncertain significance for Cardiovascular phenotype. Last evaluated: 2021-07-01. Review status: criteria provided, single submitter. Criteria: Ambry Variant Classification Scheme 2023. Collection method: clinical testing. Allele origin: germline.
Comment: The p.S25A variant (also known as c.73T>G), located in coding exon 1 of the FOXE3 gene, results from a T to G substitution at nucleotide position 73. The serine at codon 25 is replaced by alanine, an amino acid with similar properties. This amino acid position is conserved. In addition, this alteration is predicted to be tolerated by in silico analysis. Since supporting evidence is limited at this time, the clinical significance of this alteration remains unclear.